The following is an entry in ClinVar:

NM_006947.4(SRP72):c.533T>C (p.Leu178Pro)

Gene: SRP72 (signal recognition particle 72; plus strand). Cytogenetic location: 4q12.
Variant type: single nucleotide variant.
Coding change: c.533T>C on transcript NM_006947.4 (MANE Select); coding-DNA position 533, T replaced by C.
Protein change: p.Leu178Pro; replaces leucine 178 with proline.
Molecular consequence: missense variant. On other transcripts: non-coding transcript variant (1).
Genome position (GRCh38, 1-based): chr4:56,474,314, T>C. VCF-style: chr4-56474314-T-C. GRCh37 (hg19) VCF-style: chr4-57340480-T-C.
Other names: c.533T>C (NM_006947.3); c.533T>C, p.Leu178Pro (NM_001267722.2); short protein forms L178P.
Identifiers: ClinVar variation 1492009 (VCV001492009.10), dbSNP rs1720118031, ClinGen allele CA356996939.

ClinVar aggregate classification (germline): Uncertain significance. Review status: criteria provided, multiple submitters, no conflicts (2 of 4 stars). 2 submissions from 2 submitters: Uncertain significance (2). Last evaluated 2025-02-15.

Allele frequency attached by ClinVar (database versions not stated): gnomAD 0.00001; TOPMed 0.00001.

Submissions (2):

Ambry Genetics
Classification: Uncertain significance. Last evaluated: 2025-02-15. Review status: criteria provided, single submitter. Criteria: Ambry Variant Classification Scheme 2023. Collection method: clinical testing. Allele origin: germline.
Comment: The p.L178P variant (also known as c.533T>C), located in coding exon 5 of the SRP72 gene, results from a T to C substitution at nucleotide position 533. The leucine at codon 178 is replaced by proline, an amino acid with similar properties. This amino acid position is conserved. In addition, this alteration is predicted to be deleterious by in silico analysis. Based on the available evidence, the clinical significance of this variant remains unclear.

Labcorp Genetics (formerly Invitae), Labcorp
Classification: Uncertain significance. Last evaluated: 2022-02-24. Review status: criteria provided, single submitter. Criteria: Invitae Variant Classification Sherloc (09022015). Collection method: clinical testing. Allele origin: germline.
Comment: In summary, the available evidence is currently insufficient to determine the role of this variant in disease. Therefore, it has been classified as a Variant of Uncertain Significance. Algorithms developed to predict the effect of missense changes on protein structure and function are either unavailable or do not agree on the potential impact of this missense change (SIFT: "Deleterious"; PolyPhen-2: "Probably Damaging"; Align-GVGD: "Class C0"). This variant has not been reported in the literature in individuals affected with SRP72-related conditions. This variant is not present in population databases (gnomAD no frequency). This sequence change replaces leucine, which is neutral and non-polar, with proline, which is neutral and non-polar, at codon 178 of the SRP72 protein (p.Leu178Pro).